The following is an entry in ClinVar:

ClinVar aggregate classification (germline): Uncertain significance (1 of 4 stars; one submission).

Conditions:
Hereditary cancer-predisposing syndrome. Also called: Neoplastic Syndromes, Hereditary; Hereditary neoplastic syndrome; Tumor predisposition; Hereditary Cancer Syndrome. Identifiers: Orphanet 140162, MedGen C0027672, MeSH D009386, MONDO:0015356.

Submission:

Ambry Genetics
Classification: Uncertain significance for Hereditary cancer-predisposing syndrome. Last evaluated: 2023-02-12. Review status: criteria provided, single submitter. Criteria: Ambry Variant Classification Scheme 2023. Collection method: clinical testing. Allele origin: germline.
Comment: The p.G229S variant (also known as c.685G>A), located in coding exon 8 of the NF2 gene, results from a G to A substitution at nucleotide position 685. The glycine at codon 229 is replaced by serine, an amino acid with similar properties. This amino acid position is highly conserved in available vertebrate species. In addition, the in silico prediction for this alteration is inconclusive. Since supporting evidence is limited at this time, the clinical significance of this alteration remains unclear.

NM_000268.4(NF2):c.685G>A (p.Gly229Ser)

Gene: NF2 (NF2, moesin-ezrin-radixin like (MERLIN) tumor suppressor; plus strand). Cytogenetic location: 22q12.2.
Variant type: single nucleotide variant.
Coding change: c.685G>A on transcript NM_000268.4 (MANE Select); coding-DNA position 685, G replaced by A.
Protein change: p.Gly229Ser; replaces glycine 229 with serine.
Molecular consequence: missense variant. On other transcripts: non-coding transcript variant (1), intron variant (4).
Genome position (GRCh38, 1-based): chr22:29,661,214, G>A. VCF-style: chr22-29661214-G-A. GRCh37 (hg19) VCF-style: chr22-30057203-G-A.
Other names: c.571G>A, p.Gly191Ser (NM_001407053.1, NM_001407056.1); c.562G>A, p.Gly188Ser (NM_001407054.1, NM_001407058.1, NM_181829.3); c.559G>A, p.Gly187Ser (NM_001407055.1, NM_181828.3); c.685G>A, p.Gly229Ser (NM_001407060.1, NM_001407066.1, NM_016418.5 and 2 more transcripts); c.436G>A, p.Gly146Ser (NM_001407063.1, NM_001407064.1, NM_181830.3 and 1 more transcripts); c.151G>A, p.Gly51Ser (NM_001407065.1); c.454G>A, p.Gly152Ser (NM_001407067.1); c.675+2950G>A (NM_001407059.1, NM_001407057.1); and 2 more; short protein forms G146S, G191S, G187S, G188S, G229S, G152S, G51S.
Identifiers: ClinVar variation 2453835 (VCV002453835.2), dbSNP rs1028670573, ClinGen allele CA411143692.
Genomic context (GRCh38, chr22:29,661,214, plus strand): 5'-ATTTTGAGCCTCAGCTGGCGCTTACAGTAGCTGTTCTTATTGGATCCACAGAATAAAAAG[G>A]GCACAGAGCTGCTGCTTGGAGTGGATGCCCTGGGGCTTCACATTTATGACCCTGAGAACA-3'
Protein context (NP_000259.1, residues 219-239): VNYFAIRNKK[Gly229Ser]TELLLGVDAL